The following is an entry in ClinVar:

ClinVar aggregate classification (germline): Uncertain significance (1 of 4 stars; one submission).

gnomAD v4.1: 12 of 1,211,324 alleles (0.00099%); highest among the groups gnomAD compares: Non-Finnish European, 0.0013%; no homozygotes.

Submission:

GeneDx
Classification: Uncertain significance. Last evaluated: 2025-06-30. Review status: criteria provided, single submitter. Criteria: GeneDx Variant Classification Process June 2021. Collection method: clinical testing. Allele origin: germline. Affected: yes.
Comment: Not observed at significant frequency in large population cohorts (gnomAD); In silico analysis supports that this missense variant has a deleterious effect on protein structure/function; Missense variant in a gene in which most reported pathogenic variants are truncating/loss of function; Has not been previously published as pathogenic or benign to our knowledge

NM_004006.3(DMD):c.1877A>G (p.Asp626Gly)

Gene: DMD (dystrophin; minus strand). Cytogenetic location: Xp21.1.
Variant type: single nucleotide variant.
Coding change: c.1877A>G on transcript NM_004006.3 (MANE Select); coding-DNA position 1877, A replaced by G.
Protein change: p.Asp626Gly; replaces aspartic acid 626 with glycine.
Molecular consequence: missense variant.
Genome position (GRCh38, 1-based): chrX:32,565,817, T>C on the plus strand (A>G on the coding strand, the complement: DMD is on the minus strand). VCF-style: chrX-32565817-T-C. GRCh37 (hg19) VCF-style: chrX-32583934-T-C.
Other names: c.1853A>G, p.Asp618Gly (NM_000109.4); c.1865A>G, p.Asp622Gly (NM_004009.3); c.1508A>G, p.Asp503Gly (NM_004010.3); short protein forms D503G, D618G, D622G, D626G.
Identifiers: ClinVar variation 4681054 (VCV004681054.1).